The following is an entry in ClinVar:

NM_000548.5(TSC2):c.344G>A (p.Arg115His)

Gene: TSC2 (TSC complex subunit 2; plus strand). Cytogenetic location: 16p13.3.
Variant type: single nucleotide variant.
Coding change: c.344G>A on transcript NM_000548.5 (MANE Select); coding-DNA position 344, G replaced by A.
Protein change: p.Arg115His; replaces arginine 115 with histidine.
Molecular consequence: missense variant. On other transcripts: intron variant (1).
Genome position (GRCh38, 1-based): chr16:2,054,303, G>A. VCF-style: chr16-2054303-G-A. GRCh37 (hg19) VCF-style: chr16-2104304-G-A.
Other names: c.344G>A, p.Arg115His (NM_001077183.3, NM_001114382.3, NM_001363528.2 and 3 more transcripts); c.233G>A, p.Arg78His (NM_001318827.2); c.197G>A, p.Arg66His (NM_001318829.2); c.377G>A, p.Arg126His (NM_001318832.2); c.-1-1893G>A (NM_001318831.2); short protein forms R115H, R66H, R78H, R126H.
Identifiers: ClinVar variation 468016 (VCV000468016.22), dbSNP rs764529584, ClinGen allele CA046888.
Genomic context (GRCh38, chr16:2,054,303, plus strand): 5'-GCCGTGTGGGCGACGCTGGCAGGCTCTGCTGATCCTGTGGCTTTTGTCTTTAGGGCGAGC[G>A]TTTGGGGGTCCTCAGAGCCCTCTTCTTTAAGGTCATCAAGGATTACCCTTCCAACGAAGA-3'
Protein context (NP_000539.2, residues 105-125): LKAIVQGQGE[Arg115His]LGVLRALFFK

ClinVar aggregate classification (germline): Conflicting classifications of pathogenicity. Review status: criteria provided, conflicting classifications (1 of 4 stars). 8 submissions from 8 submitters: Uncertain significance (2); Benign (2); Likely benign (4). Last evaluated 2026-01-21.

Conditions:
Hereditary cancer-predisposing syndrome. Also called: Hereditary neoplastic syndrome; Neoplastic Syndromes, Hereditary; Tumor predisposition; Hereditary Cancer Syndrome. Identifiers: Orphanet 140162, MedGen C0027672, MeSH D009386, MONDO:0015356.
Tuberous sclerosis 2 (TSC2). Identifiers: Orphanet 805, MedGen C1860707, MONDO:0013199, OMIM 613254.
Tuberous sclerosis syndrome (TSC). Also called: Tuberous Sclerosis Complex; Tuberous sclerosis. Identifiers: Orphanet 805, MedGen C0041341, MONDO:0001734.

Allele frequency attached by ClinVar (database versions not stated): gnomAD 0.00002; TOPMed 0.00003; ExAC 0.00006; gnomAD exomes 0.00006.
gnomAD v4.1: 73 of 1,614,050 alleles (0.0045%); highest among the groups gnomAD compares: South Asian, 0.029%; 1 homozygote.

Submissions (8):

Labcorp Genetics (formerly Invitae), Labcorp
Classification: Benign for Tuberous sclerosis 2. Last evaluated: 2026-01-21. Review status: criteria provided, single submitter. Criteria: Invitae Variant Classification Sherloc (09022015). Collection method: clinical testing. Allele origin: germline.

Color Diagnostics, LLC DBA Color Health
Classification: Benign for Tuberous sclerosis syndrome. Last evaluated: 2025-07-03. Review status: criteria provided, single submitter. Criteria: ACMG Guidelines, 2015. Collection method: clinical testing. Allele origin: germline.

Myriad Genetics, Inc.
Classification: Likely benign for Tuberous sclerosis 2. Last evaluated: 2024-08-15. Review status: criteria provided, single submitter. Criteria: Myriad Autosomal Dominant, Autosomal Recessive and X-Linked Classification Criteria (2023). Collection method: clinical testing. Allele origin: unknown.
Comment: This variant is considered likely benign. This variant has been observed at a population frequency that is significantly greater than expected given the associated disease prevalence and penetrance.

Molecular Pathology, Peter Maccallum Cancer Centre
Classification: Uncertain significance for Tuberous sclerosis 2. Last evaluated: 2024-07-31. Review status: criteria provided, single submitter. Criteria: ACMG Guidelines, 2015. Collection method: clinical testing. Allele origin: germline. Inheritance: Autosomal dominant inheritance.

All of Us Research Program, National Institutes of Health
Classification: Uncertain significance for Tuberous sclerosis syndrome. Last evaluated: 2023-05-16. Review status: criteria provided, single submitter. Criteria: ACMG Guidelines, 2015. Collection method: clinical testing. Allele origin: germline. Inheritance: Autosomal dominant inheritance. Observed: 2 variant alleles, 2 heterozygotes.
Comment: This missense variant replaces arginine with histidine at codon 115 of the TSC2 protein. Computational prediction is inconclusive regarding the impact of this variant on protein structure and function (internally defined REVEL score threshold 0.5 < inconclusive < 0.7, PMID: 27666373). To our knowledge, functional studies have not been reported for this variant. This variant has not been reported in individuals affected with tuberous sclerosis complex in the literature. This variant has been identified in 16/282852 chromosomes in the general population by the Genome Aggregation Database (gnomAD). The available evidence is insufficient to determine the role of this variant in disease conclusively. Therefore, this variant is classified as a Variant of Uncertain Significance.

This study involves interpretation of variants in research participants for the purpose of population health screening. Participant phenotype was not available at the time of variant classification. Additional details can be found in publication PMID: 35346344, PMCID: PMC8962531

Genome-Nilou Lab
Classification: Likely benign for Tuberous sclerosis 2. Last evaluated: 2021-11-07. Review status: criteria provided, single submitter. Criteria: ACMG Guidelines, 2015. Collection method: clinical testing. Allele origin: germline. Affected: no.

Sema4
Classification: Likely benign for Hereditary cancer-predisposing syndrome. Last evaluated: 2021-10-11. Review status: criteria provided, single submitter. Criteria: Sema4 Curation Guidelines. Collection method: curation. Allele origin: germline.

Ambry Genetics
Classification: Likely benign for Hereditary cancer-predisposing syndrome. Last evaluated: 2021-05-06. Review status: criteria provided, single submitter. Criteria: Ambry Variant Classification Scheme 2023. Collection method: clinical testing. Allele origin: germline.